The following is an entry in ClinVar:

NM_024120.5(NDUFAF5):c.480-1G>T

Gene: NDUFAF5 (NADH:ubiquinone oxidoreductase complex assembly factor 5; plus strand). Cytogenetic location: 20p12.1.
Variant type: single nucleotide variant.
Coding change: c.480-1G>T on transcript NM_024120.5 (MANE Select); the canonical splice acceptor site of the intron before coding-DNA position 480, G replaced by T.
Molecular consequence: splice acceptor variant.
Genome position (GRCh38, 1-based): chr20:13,798,460, G>T. VCF-style: chr20-13798460-G-T. GRCh37 (hg19) VCF-style: chr20-13779106-G-T.
Other names: c.480-1G>T (NM_024120.4, NM_001352408.2); c.-82-1G>T (NM_001352407.2, NM_001352406.2); c.396-1G>T (NM_001039375.3); c.9-1G>T (NM_001352403.2).
Identifiers: ClinVar variation 3239846 (VCV003239846.2), dbSNP rs2516170525.

ClinVar aggregate classification (germline): Likely pathogenic. Review status: criteria provided, multiple submitters, no conflicts (2 of 4 stars). 2 submissions from 2 submitters: Likely pathogenic (2). Last evaluated 2024-06-27.

Conditions:
Mitochondrial complex I deficiency. Also called: NADH:Q(1) OXIDOREDUCTASE DEFICIENCY. Identifiers: Orphanet 2609, MedGen C1838979, MeSH C537475, MONDO:0100133.
Mitochondrial complex I deficiency, nuclear type 16. Also called: Mitochondrial complex 1 deficiency, nuclear type 16. Identifiers: MedGen C4748785, MONDO:0032621, OMIM 618238.

Submissions (2):

Natera, Inc.
Classification: Likely pathogenic for Mitochondrial complex I deficiency. Last evaluated: 2024-06-27. Review status: criteria provided, single submitter. Criteria: Natera Variant Classification Schema (03/2026). Collection method: clinical testing. Allele origin: germline.
Comment: The c.480-1G>T variant in NDUFAF5 is a canonical splice acceptor site variant predicted to affect pre-mRNA splicing, which may result in an abnormal transcript and altered protein product. This variant is expected to result in nonsense mediated decay, truncation, or a dysfunctional protein product. This variant is rare in the general population with a frequency below the threshold expected for the associated phenotype(s). Given the available evidence, this variant is classified as Likely Pathogenic.

Baylor Genetics
Classification: Likely pathogenic for Mitochondrial complex I deficiency, nuclear type 16. Last evaluated: 2023-12-22. Review status: criteria provided, single submitter. Criteria: ACMG Guidelines, 2015. Collection method: clinical testing. Allele origin: unknown.